The following is an entry in ClinVar:

ClinVar aggregate classification (germline): Uncertain significance (1 of 4 stars; one submission).

Allele frequency attached by ClinVar (database versions not stated): ExAC 0.00001; gnomAD exomes 0.00001.
gnomAD v4.1: 9 of 1,609,624 alleles (0.00056%); highest among the groups gnomAD compares: Non-Finnish European, 0.00076%; no homozygotes.

Submission:

Laboratory for Molecular Medicine, Mass General Brigham Personalized Medicine
Classification: Uncertain significance. Last evaluated: 2016-04-21. Review status: criteria provided, single submitter. Criteria: LMM Criteria. Collection method: clinical testing. Allele origin: germline. Observed: 1 variant allele.
Comment: Variant classified as Uncertain Significance - Favor Benign. The p.Ala1191Ser va riant in MYH14 has not been previously reported in individuals with hearing loss , but has been identified in 1/44386 of European chromosomes by the Exome Aggreg ation Consortium (ExAC; dbSNP rs776570317). Alth ough this variant has been seen in the general population, its frequency is not high enough to rule out a pathogenic role. Alanine (Ala) at position 1191 is not conserved in mammals or evolutionarily distant species and 9 species (Opossum, white-throated sparrow, medium ground finch, zebra finch, tibetan ground jay, tu rkey, X tropicalis, tetraodon and lamprey) carry a serine (Ser) at this position , raising the possibility that this change may be tolerated. Additional computat ional prediction tools suggest that the p.Ala1191Ser variant may impact the prot ein, though this information is not predictive enough to determine pathogenicity . In summary, while the clinical significance of the p.Ala1191Ser variant is unc ertain, its presence in various species suggests that it is more likely to be be nign.

NM_001145809.2(MYH14):c.3571G>T (p.Ala1191Ser)

Gene: MYH14 (myosin heavy chain 14; plus strand). Cytogenetic location: 19q13.33.
Variant type: single nucleotide variant.
Coding change: c.3571G>T on transcript NM_001145809.2 (MANE Select); coding-DNA position 3571, G replaced by T.
Protein change: p.Ala1191Ser; replaces alanine 1191 with serine.
Molecular consequence: missense variant.
Genome position (GRCh38, 1-based): chr19:50,276,094, G>T. VCF-style: chr19-50276094-G-T. GRCh37 (hg19) VCF-style: chr19-50779351-G-T.
Other names: c.3472G>T, p.Ala1158Ser (NM_001077186.2); c.3448G>T, p.Ala1150Ser (NM_024729.4); short protein forms A1191S, A1158S, A1150S.
Identifiers: ClinVar variation 504930 (VCV000504930.4), dbSNP rs776570317, ClinGen allele CA9593257.